The following is an entry in ClinVar:

NM_033026.6(PCLO):c.3049A>G (p.Thr1017Ala)

Gene: PCLO (piccolo presynaptic cytomatrix protein; minus strand). Cytogenetic location: 7q21.11.
Variant type: single nucleotide variant.
Coding change: c.3049A>G on transcript NM_033026.6 (MANE Select); coding-DNA position 3049, A replaced by G.
Protein change: p.Thr1017Ala; replaces threonine 1017 with alanine.
Molecular consequence: missense variant.
Genome position (GRCh38, 1-based): chr7:83,134,501, T>C on the plus strand (A>G on the coding strand, the complement: PCLO is on the minus strand). VCF-style: chr7-83134501-T-C. GRCh37 (hg19) VCF-style: chr7-82763817-T-C.
Other names: c.3049A>G, p.Thr1017Ala (NM_014510.3); short protein forms T1017A.
Identifiers: ClinVar variation 3001606 (VCV003001606.2), dbSNP rs775302246, ClinGen allele CA4321156.
Genomic context (GRCh38, chr7:83,134,501, plus strand): 5'-TTAAAGATTTGCTATCCTTAATAGGTGGTGGCTTTTTTTCTGTTTCTGTTCTTTTTACTG[T>C]TGGAGCTTGTTCAGCTTTGGGCTCTAATTTTTCAGCTGCTGGGGCTTTTGTTTCCTTTTT-3'
Protein context (NP_149015.2, residues 1007-1027): KLEPKAEQAP[Thr1017Ala]VKRTETEKKP

ClinVar aggregate classification (germline): Uncertain significance (1 of 4 stars; one submission).

Allele frequency attached by ClinVar (database versions not stated): TOPMed 0.00003; gnomAD 0.00004; gnomAD exomes below 0.00001; ExAC 0.00002.
gnomAD v4.1: 11 of 1,613,758 alleles (0.00068%); highest among the groups gnomAD compares: African/African-American, 0.015%; no homozygotes.

Submission:

Labcorp Genetics (formerly Invitae), Labcorp
Classification: Uncertain significance. Last evaluated: 2025-02-24. Review status: criteria provided, single submitter. Criteria: Invitae Variant Classification Sherloc (09022015). Collection method: clinical testing. Allele origin: germline.
Comment: This sequence change replaces threonine, which is neutral and polar, with alanine, which is neutral and non-polar, at codon 1017 of the PCLO protein (p.Thr1017Ala). This variant is present in population databases (rs775302246, gnomAD 0.01%). This variant has not been reported in the literature in individuals affected with PCLO-related conditions. ClinVar contains an entry for this variant (Variation ID: 3001606). An algorithm developed to predict the effect of missense changes on protein structure and function outputs the following: PolyPhen-2: "Not Available". The alanine amino acid residue is found in multiple mammalian species, which suggests that this missense change does not adversely affect protein function. In summary, the available evidence is currently insufficient to determine the role of this variant in disease. Therefore, it has been classified as a Variant of Uncertain Significance.